The following is an entry in ClinVar:

ClinVar aggregate classification (germline): Likely pathogenic. Review status: criteria provided, multiple submitters, no conflicts (2 of 4 stars). 2 submissions from 2 submitters: Likely pathogenic (2). Last evaluated 2021-12-18.

Conditions:
CNGB3-related disorder. Also called: CNGB3-related disorders; CNGB3-related condition. Identifiers: MedGen CN239340.

Submissions (2):

Labcorp Genetics (formerly Invitae), Labcorp
Classification: Likely pathogenic. Last evaluated: 2021-12-18. Review status: criteria provided, single submitter. Criteria: Invitae Variant Classification Sherloc (09022015). Collection method: clinical testing. Allele origin: germline.
Comment: Algorithms developed to predict the effect of sequence changes on RNA splicing suggest that this variant may disrupt the consensus splice site. In summary, the currently available evidence indicates that the variant is pathogenic, but additional data are needed to prove that conclusively. Therefore, this variant has been classified as Likely Pathogenic. This variant has not been reported in the literature in individuals affected with CNGB3-related conditions. This variant is not present in population databases (gnomAD no frequency). This sequence change affects a splice site in intron 5 of the CNGB3 gene. It is expected to disrupt RNA splicing. Variants that disrupt the donor or acceptor splice site typically lead to a loss of protein function (PMID: 16199547), and loss-of-function variants in CNGB3 are known to be pathogenic (PMID: 28795510).

Blueprint Genetics
Classification: Likely pathogenic for CNGB3-related disorders. Last evaluated: 2019-05-13. Review status: criteria provided, single submitter. Criteria: ACMG Guidelines, 2015. Collection method: clinical testing. Allele origin: germline. Affected: yes. Observed: 1 variant allele.

Literature cited by the submitters: PubMed 16199547 (cited by Labcorp Genetics (formerly Invitae), Labcorp); PubMed 28795510 (cited by Labcorp Genetics (formerly Invitae), Labcorp).

NM_019098.5(CNGB3):c.644-2del

Gene: CNGB3 (cyclic nucleotide gated channel subunit beta 3; minus strand). Cytogenetic location: 8q21.3.
Variant type: Deletion.
Coding change: c.644-2del on transcript NM_019098.5 (MANE Select); the canonical splice acceptor site of the intron before coding-DNA position 644, one base deleted (A; older notation c.644-2delA).
Molecular consequence: splice acceptor variant.
Genome position (GRCh38, 1-based): chr8:86,667,135, T deleted on the plus strand (A on the coding strand, the reverse complement: CNGB3 is on the minus strand). VCF-style (leftmost placement, unchanged base first): chr8-86667134-CT-C. GRCh37 (hg19) VCF-style: chr8-87679362-CT-C.
Identifiers: ClinVar variation 2045894 (VCV002045894.5), dbSNP rs2538125004, ClinGen allele CA2580078975.
Genomic context (GRCh38, chr8:86,667,134, plus strand): 5'-AACAGCAGTTCCAGTTATAGGCAAGAGTGACAAGCAAGAGCCACAGGAGATAGAGTCGAT[CT>C]GGAAAAACAGCAAGTGGTGAAATCCAAATGACATAGAACAAACACAGAAAGAATTCTGTT-3'